The following is an entry in ClinVar:

ClinVar aggregate classification (germline): Uncertain significance (0 of 4 stars; one submission).

Conditions:
HNRNPU-related disorder. Also called: HNRNPU-related condition.

gnomAD v4.1: 3 of 1,613,750 alleles (0.00019%); highest among the groups gnomAD compares: Admixed American, 0.0017%; no homozygotes.

Submission:

PreventionGenetics, part of Exact Sciences
Classification: Uncertain significance for HNRNPU-related condition. Last evaluated: 2024-05-07. Review status: no assertion criteria provided. Collection method: clinical testing. Allele origin: germline.
Comment: The HNRNPU c.2185G>A variant is predicted to result in the amino acid substitution p.Gly729Arg. To our knowledge, this variant has not been reported in the literature. This variant is reported in 0.0029% of alleles in individuals of Latino descent in gnomAD. At this time, the clinical significance of this variant is uncertain due to the absence of conclusive functional and genetic evidence.

NM_031844.3(HNRNPU):c.2185G>A (p.Gly729Arg)

Gene: HNRNPU (heterogeneous nuclear ribonucleoprotein U; minus strand). Cytogenetic location: 1q44.
Variant type: single nucleotide variant.
Coding change: c.2185G>A on transcript NM_031844.3 (MANE Select); coding-DNA position 2185, G replaced by A.
Protein change: p.Gly729Arg; replaces glycine 729 with arginine.
Molecular consequence: missense variant.
Genome position (GRCh38, 1-based): chr1:244,855,591, C>T on the plus strand (G>A on the coding strand, the complement: HNRNPU is on the minus strand). VCF-style: chr1-244855591-C-T. GRCh37 (hg19) VCF-style: chr1-245018893-C-T.
Other names: c.2128G>A, p.Gly710Arg (NM_004501.3); short protein forms G710R, G729R.
Identifiers: ClinVar variation 3356747 (VCV003356747.1).